The following is an entry in ClinVar:

NM_000465.4(BARD1):c.1278T>C (p.His426=)

Gene: BARD1 (BRCA1 associated RING domain 1; minus strand). Cytogenetic location: 2q35.
Variant type: single nucleotide variant.
Coding change: c.1278T>C on transcript NM_000465.4 (MANE Select); coding-DNA position 1278, T replaced by C.
Protein change: p.His426=; no amino-acid change (histidine 426 retained).
Molecular consequence: synonymous variant. On other transcripts: non-coding transcript variant (2), intron variant (3).
Genome position (GRCh38, 1-based): chr2:214,780,596, A>G on the plus strand (T>C on the coding strand, the complement: BARD1 is on the minus strand). VCF-style: chr2-214780596-A-G. GRCh37 (hg19) VCF-style: chr2-215645320-A-G.
Other names: c.1221T>C, p.His407= (NM_001282543.2); c.159-28041T>C (NM_001282548.2); c.215+16465T>C (NM_001282545.2); c.364+11701T>C (NM_001282549.2); c.1278T>C (NM_000465.2).
Identifiers: ClinVar variation 1611845 (VCV001611845.11), dbSNP rs2106107680, ClinGen allele CA431391091.

ClinVar aggregate classification (germline): Benign/Likely benign. Review status: criteria provided, multiple submitters, no conflicts (2 of 4 stars). 3 submissions from 3 submitters: Benign (1); Likely benign (2). Last evaluated 2026-01-06.

Conditions:
Hereditary cancer-predisposing syndrome. Also called: Tumor predisposition; Hereditary Cancer Syndrome; Hereditary neoplastic syndrome; Neoplastic Syndromes, Hereditary. Identifiers: Orphanet 140162, MedGen C0027672, MeSH D009386, MONDO:0015356.
Familial cancer of breast. Also called: BREAST CANCER, FAMILIAL; Hereditary breast cancer; hereditary breast carcinoma. Identifiers: Orphanet 227535, MedGen C0346153, MONDO:0016419, OMIM 114480. Disease mechanism: loss of function.

Submissions (3):

Ambry Genetics
Classification: Likely benign for Hereditary cancer-predisposing syndrome. Last evaluated: 2026-01-06. Review status: criteria provided, single submitter. Criteria: Ambry Variant Classification Scheme 2023. Collection method: clinical testing. Allele origin: germline.

Myriad Genetics, Inc.
Classification: Benign for Familial cancer of breast. Last evaluated: 2024-07-24. Review status: criteria provided, single submitter. Criteria: Myriad Autosomal Dominant, Autosomal Recessive and X-Linked Classification Criteria (2023). Collection method: clinical testing. Allele origin: unknown.
Comment: This variant is considered benign. This variant is a silent/synonymous amino acid change and it is not expected to impact splicing.

Labcorp Genetics (formerly Invitae), Labcorp
Classification: Likely benign for Familial cancer of breast. Last evaluated: 2023-09-09. Review status: criteria provided, single submitter. Criteria: Invitae Variant Classification Sherloc (09022015). Collection method: clinical testing. Allele origin: germline.